The following is an entry in ClinVar:

ClinVar aggregate classification (germline): Uncertain significance (1 of 4 stars; one submission).

Conditions:
Emery-Dreifuss muscular dystrophy 5, autosomal dominant (EDMD5). Also called: EMERY-DREIFUSS MUSCULAR DYSTROPHY 5. Identifiers: Orphanet 261, MedGen C2751805, MONDO:0013072, OMIM 612999.

Submission:

Labcorp Genetics (formerly Invitae), Labcorp
Classification: Uncertain significance for Emery-Dreifuss muscular dystrophy 5, autosomal dominant. Last evaluated: 2022-08-31. Review status: criteria provided, single submitter. Criteria: Invitae Variant Classification Sherloc (09022015). Collection method: clinical testing. Allele origin: germline.
Comment: In summary, the available evidence is currently insufficient to determine the role of this variant in disease. Therefore, it has been classified as a Variant of Uncertain Significance. Algorithms developed to predict the effect of missense changes on protein structure and function are either unavailable or do not agree on the potential impact of this missense change (SIFT: "Tolerated"; PolyPhen-2: "Possibly Damaging"; Align-GVGD: "Class C0"). This variant has not been reported in the literature in individuals affected with SYNE2-related conditions. This variant is not present in population databases (gnomAD no frequency). This sequence change replaces isoleucine, which is neutral and non-polar, with lysine, which is basic and polar, at codon 2843 of the SYNE2 protein (p.Ile2843Lys).

NM_182914.3(SYNE2):c.8528T>A (p.Ile2843Lys)

Gene: SYNE2 (spectrin repeat containing nuclear envelope protein 2; plus strand). Cytogenetic location: 14q23.2.
Variant type: single nucleotide variant.
Coding change: c.8528T>A on transcript NM_182914.3 (MANE Select); coding-DNA position 8528, T replaced by A.
Protein change: p.Ile2843Lys; replaces isoleucine 2843 with lysine.
Molecular consequence: missense variant.
Genome position (GRCh38, 1-based): chr14:64,052,441, T>A. VCF-style: chr14-64052441-T-A. GRCh37 (hg19) VCF-style: chr14-64519159-T-A.
Other names: c.8528T>A, p.Ile2843Lys (NM_015180.6); short protein forms I2843K.
Identifiers: ClinVar variation 1718510 (VCV001718510.5), dbSNP rs2548323579, ClinGen allele CA389968102.